The following is an entry in ClinVar:

NM_004408.4(DNM1):c.1196+14C>T

Gene: DNM1 (dynamin 1; plus strand). Cytogenetic location: 9q34.11.
Variant type: single nucleotide variant.
Coding change: c.1196+14C>T on transcript NM_004408.4 (MANE Select); 14 bases into the intron after coding-DNA position 1196, C replaced by T.
Molecular consequence: intron variant.
Genome position (GRCh38, 1-based): chr9:128,222,874, C>T. VCF-style: chr9-128222874-C-T. GRCh37 (hg19) VCF-style: chr9-130985153-C-T.
Other names: c.1196+14C>T (NM_001005336.3, NM_001288738.2, NM_001288737.2 and 1 more transcripts).
Identifiers: ClinVar variation 507571 (VCV000507571.11), dbSNP rs372024347, ClinGen allele CA5258002.
Genomic context (GRCh38, chr9:128,222,874, plus strand): 5'-CTCCGAAGGGAGATCAGCTATGCTATCAAGAATATCCATGGCATTAGGCACGTATTGGGG[C>T]CTGGGAGGGTGGCTGAACCCCAGAAGTAGGGGGTCTGGGACAGAGGCACAGGGAGTGATG-3'

ClinVar aggregate classification (germline): Likely benign. Review status: criteria provided, multiple submitters, no conflicts (2 of 4 stars). 4 submissions from 4 submitters: Likely benign (4). Last evaluated 2025-10-13.

Conditions:
Developmental and epileptic encephalopathy, 31A. Also called: Epileptic encephalopathy, early infantile, 31; Developmental and epileptic encephalopathy, 31. Identifiers: Orphanet 2382, MedGen C4225357, MONDO:0014598, OMIM 616346.

Allele frequency attached by ClinVar (database versions not stated): gnomAD 0.00001; gnomAD exomes 0.00002; ExAC 0.00003; TOPMed 0.00003; ESP Exome Variant Server 0.00008.
gnomAD v4.1: 36 of 1,613,552 alleles (0.0022%); highest among the groups gnomAD compares: African/African-American, 0.015%; no homozygotes.

Submissions (4):

Labcorp Genetics (formerly Invitae), Labcorp
Classification: Likely benign for Developmental and epileptic encephalopathy, 31A. Last evaluated: 2025-10-13. Review status: criteria provided, single submitter. Criteria: Invitae Variant Classification Sherloc (09022015). Collection method: clinical testing. Allele origin: germline.

Blueprint Genetics
Classification: Likely benign. Last evaluated: 2024-09-13. Review status: criteria provided, single submitter. Criteria: ACMG Guidelines, 2015. Collection method: clinical testing. Allele origin: germline.

GeneDx
Classification: Likely benign. Last evaluated: 2017-02-21. Review status: criteria provided, single submitter. Criteria: GeneDx Variant Classification (06012015). Collection method: clinical testing. Allele origin: germline. Affected: yes.
Comment: This variant is considered likely benign or benign based on one or more of the following criteria: it is a conservative change, it occurs at a poorly conserved position in the protein, it is predicted to be benign by multiple in silico algorithms, and/or has population frequency not consistent with disease.

Breakthrough Genomics
Classification: Likely benign. Review status: criteria provided, single submitter. Criteria: ACMG Guidelines, 2015. Collection method: not provided. Allele origin: germline. Inheritance: Autosomal dominant inheritance. Affected: yes.